The following is an entry in ClinVar:

ClinVar aggregate classification (germline): Uncertain significance (1 of 4 stars; one submission).

gnomAD v4.1: 3 of 1,614,174 alleles (0.00019%); highest among the groups gnomAD compares: South Asian, 0.0022%; no homozygotes.

Submission:

Labcorp Genetics (formerly Invitae), Labcorp
Classification: Uncertain significance. Last evaluated: 2024-03-07. Review status: criteria provided, single submitter. Criteria: Invitae Variant Classification Sherloc (09022015). Collection method: clinical testing. Allele origin: germline.
Comment: This sequence change replaces glutamic acid, which is acidic and polar, with aspartic acid, which is acidic and polar, at codon 634 of the REPS1 protein (p.Glu634Asp). This variant is present in population databases (no rsID available, gnomAD 0.003%). This variant has not been reported in the literature in individuals affected with REPS1-related conditions. Advanced modeling of protein sequence and biophysical properties (such as structural, functional, and spatial information, amino acid conservation, physicochemical variation, residue mobility, and thermodynamic stability) performed at Invitae indicates that this missense variant is not expected to disrupt REPS1 protein function with a negative predictive value of 80%. In summary, the available evidence is currently insufficient to determine the role of this variant in disease. Therefore, it has been classified as a Variant of Uncertain Significance.

NM_001286611.2(REPS1):c.1902A>C (p.Glu634Asp)

Gene: REPS1 (RALBP1 associated Eps domain containing 1; minus strand). Cytogenetic location: 6q24.1.
Variant type: single nucleotide variant.
Coding change: c.1902A>C on transcript NM_001286611.2 (MANE Select); coding-DNA position 1902, A replaced by C.
Protein change: p.Glu634Asp; replaces glutamic acid 634 with aspartic acid.
Molecular consequence: missense variant.
Genome position (GRCh38, 1-based): chr6:138,912,834, T>G on the plus strand (A>C on the coding strand, the complement: REPS1 is on the minus strand). VCF-style: chr6-138912834-T-G. GRCh37 (hg19) VCF-style: chr6-139233971-T-G.
Other names: c.1821A>C, p.Glu607Asp (NM_001128617.3); c.1629A>C, p.Glu543Asp (NM_001286612.2); c.1899A>C, p.Glu633Asp (NM_031922.5); short protein forms E607D, E543D, E634D, E633D.
Identifiers: ClinVar variation 3695900 (VCV003695900.2).